The following is an entry in ClinVar:

NM_178857.6(RP1L1):c.2542C>T (p.Leu848=)

Gene: RP1L1 (RP1 like 1). Cytogenetic location: 8p23.1.
Variant type: single nucleotide variant.
Coding change: c.2542C>T on transcript NM_178857.6 (MANE Select); coding-DNA position 2542, C replaced by T.
Protein change: p.Leu848=; no amino-acid change (leucine 848 retained).
Molecular consequence: synonymous variant.
Genome position (GRCh38, 1-based): chr8:10,611,556, G>A on the plus strand (C>T on the coding strand, the complement: RP1L1 is on the minus strand). VCF-style: chr8-10611556-G-A. GRCh37 (hg19) VCF-style: chr8-10469066-G-A.
Identifiers: ClinVar variation 4872101 (VCV004872101.3).

ClinVar aggregate classification (germline): Likely benign. Review status: criteria provided, multiple submitters, no conflicts (2 of 4 stars). 2 submissions from 2 submitters: Likely benign (2). Last evaluated 2026-04-01.

gnomAD v4.1: 93 of 1,599,742 alleles (0.0058%); highest among the groups gnomAD compares: Middle Eastern, 0.017%; no homozygotes.

Submissions (2):

CeGaT Center for Human Genetics Tuebingen
Classification: Likely benign. Last evaluated: 2026-04-01. Review status: criteria provided, single submitter. Criteria: CeGaT Center For Human Genetics Tuebingen Variant Classification Criteria Version 2. Collection method: clinical testing. Allele origin: germline. Affected: yes. Observed: 1 variant allele.
Comment: RP1L1: BP4, BP7

Blueprint Genetics
Classification: Likely benign. Last evaluated: 2024-11-25. Review status: criteria provided, single submitter. Criteria: ACMG Guidelines, 2015. Collection method: clinical testing. Allele origin: germline.